The following is an entry in ClinVar:

NM_001081.4(CUBN):c.6260C>G (p.Ser2087Cys)

Gene: CUBN (cubilin; minus strand). Cytogenetic location: 10p13.
Variant type: single nucleotide variant.
Coding change: c.6260C>G on transcript NM_001081.4 (MANE Select); coding-DNA position 6260, C replaced by G.
Protein change: p.Ser2087Cys; replaces serine 2087 with cysteine.
Molecular consequence: missense variant.
Genome position (GRCh38, 1-based): chr10:16,928,168, G>C on the plus strand (C>G on the coding strand, the complement: CUBN is on the minus strand). VCF-style: chr10-16928168-G-C. GRCh37 (hg19) VCF-style: chr10-16970167-G-C.
Other names: c.6260C>G (NM_001081.3); short protein forms S2087C.
Identifiers: ClinVar variation 1353782 (VCV001353782.11), dbSNP rs376641725, ClinGen allele CA5423751.

ClinVar aggregate classification (germline): Uncertain significance. Review status: criteria provided, multiple submitters, no conflicts (2 of 4 stars). 3 submissions from 3 submitters: Uncertain significance (3). Last evaluated 2025-12-17.

Conditions:
Imerslund-Grasbeck syndrome. Also called: PERNICIOUS ANEMIA, JUVENILE, DUE TO SELECTIVE INTESTINAL MALABSORPTION OF VITAMIN B12, WITH PROTEINURIA; Megaloblastic anemia due to inborn errors of metabolism; ENTEROCYTE COBALAMIN MALABSORPTION; ENTEROCYTE INTRINSIC FACTOR RECEPTOR, DEFECT OF; Imerslund-Gräsbeck syndrome. Identifiers: Orphanet 35858, MedGen C4551825, MONDO:0009853.
Proteinuria, chronic benign. Identifiers: MedGen C5394384, MONDO:0030042, OMIM 618884.
Imerslund-Grasbeck syndrome type 1 (IGS1). Also called: Imerslund-Gräsbeck syndrome 1; Megaloblastic anemia 1, Finnish type; MEGALOBLASTIC ANEMIA, 1. Identifiers: MedGen C4016819, MONDO:0100156, OMIM 261100.
CUBN-related disorder. Also called: CUBN-related condition.

Allele frequency attached by ClinVar (database versions not stated): gnomAD exomes 0.00002 and 0.00003; 1000 Genomes Project 30x 0.00016; gnomAD 0.00016; 1000 Genomes Project 0.00020; ESP Exome Variant Server 0.00008; ExAC 0.00002; TOPMed 0.00014.
gnomAD v4.1: 51 of 1,613,782 alleles (0.0032%); highest among the groups gnomAD compares: African/African-American, 0.06%; no homozygotes.

Submissions (3):

Labcorp Genetics (formerly Invitae), Labcorp
Classification: Uncertain significance for Imerslund-Grasbeck syndrome. Last evaluated: 2025-12-17. Review status: criteria provided, single submitter. Criteria: Invitae Variant Classification Sherloc (09022015). Collection method: clinical testing. Allele origin: germline.
Comment: This sequence change replaces serine, which is neutral and polar, with cysteine, which is neutral and slightly polar, at codon 2087 of the CUBN protein (p.Ser2087Cys). This variant is present in population databases (rs376641725, gnomAD 0.04%). This variant has not been reported in the literature in individuals affected with CUBN-related conditions. ClinVar contains an entry for this variant (Variation ID: 1353782). Invitae Evidence Modeling of protein sequence and biophysical properties (such as structural, functional, and spatial information, amino acid conservation, physicochemical variation, residue mobility, and thermodynamic stability) indicates that this missense variant is expected to disrupt CUBN protein function with a positive predictive value of 80%. In summary, the available evidence is currently insufficient to determine the role of this variant in disease. Therefore, it has been classified as a Variant of Uncertain Significance.

Fulgent Genetics
Classification: Uncertain significance for Imerslund-Grasbeck syndrome type 1; Proteinuria, chronic benign. Last evaluated: 2024-02-26. Review status: criteria provided, single submitter. Criteria: ACMG Guidelines, 2015. Collection method: clinical testing. Allele origin: germline.

PreventionGenetics, part of Exact Sciences
Classification: Uncertain significance for CUBN-related condition. Last evaluated: 2022-08-19. Review status: criteria provided, single submitter. Criteria: ACMG Guidelines, 2015. Collection method: clinical testing. Allele origin: germline.
Comment: The CUBN c.6260C>G variant is predicted to result in the amino acid substitution p.Ser2087Cys. This variant was reported in a patient with elevated methylmalonic acid and non-compaction cardiomyopathy; however, this patient also had two additional variants in CUBN and the phase was not determined (Patient 9, Pupavac et al 2016. PubMed ID: 26827111). This variant is reported in 0.040% of alleles in individuals of African descent in gnomAD. At this time, the clinical significance of this variant is uncertain due to the absence of conclusive functional and genetic evidence.